The following is an entry in ClinVar:

ClinVar aggregate classification (germline): Uncertain significance (1 of 4 stars; one submission).

Conditions:
Muscular dystrophy-dystroglycanopathy (congenital with brain and eye anomalies), type A13. Also called: WALKER-WARBURG SYNDROME OR MUSCLE-EYE-BRAIN DISEASE, B3GNT1-RELATED; Muscular dystrophy-dystroglycanopathy (congenital with brain and eye anomalies), type a, 13. Identifiers: Orphanet 899, MedGen C3809042, MONDO:0014120, OMIM 615287.

Allele frequency attached by ClinVar (database versions not stated): gnomAD 0.00001; gnomAD exomes 0.00001; ExAC 0.00007.

Submission:

Labcorp Genetics (formerly Invitae), Labcorp
Classification: Uncertain significance for Muscular dystrophy-dystroglycanopathy (congenital with brain and eye anomalies), type A13. Last evaluated: 2021-01-16. Review status: criteria provided, single submitter. Criteria: Invitae Variant Classification Sherloc (09022015). Collection method: clinical testing. Allele origin: germline.
Comment: This sequence change replaces aspartic acid with asparagine at codon 74 of the B4GAT1 protein (p.Asp74Asn). The aspartic acid residue is highly conserved and there is a small physicochemical difference between aspartic acid and asparagine. This variant is present in population databases (rs746966446, ExAC 0.01%). In summary, the available evidence is currently insufficient to determine the role of this variant in disease. Therefore, it has been classified as a Variant of Uncertain Significance. Algorithms developed to predict the effect of missense changes on protein structure and function do not agree on the potential impact of this missense change (SIFT: "Deleterious"; PolyPhen-2: "Possibly Damaging"; Align-GVGD: "Class C0"). This variant has not been reported in the literature in individuals with B4GAT1-related disease.

NM_006876.3(B4GAT1):c.220G>A (p.Asp74Asn)

Gene: B4GAT1 (beta-1,4-glucuronyltransferase 1; minus strand). Cytogenetic location: 11q13.2.
Variant type: single nucleotide variant.
Coding change: c.220G>A on transcript NM_006876.3 (MANE Select); coding-DNA position 220, G replaced by A.
Protein change: p.Asp74Asn; replaces aspartic acid 74 with asparagine.
Molecular consequence: missense variant.
Genome position (GRCh38, 1-based): chr11:66,347,326, C>T on the plus strand (G>A on the coding strand, the complement: B4GAT1 is on the minus strand). VCF-style: chr11-66347326-C-T. GRCh37 (hg19) VCF-style: chr11-66114797-C-T.
Other names: short protein forms D74N.
Identifiers: ClinVar variation 541280 (VCV000541280.8), dbSNP rs746966446, ClinGen allele CA6120585.
Genomic context (GRCh38, chr11:66,347,326, plus strand): 5'-CGTTGGGGTCCATGGTGGTCTTCAGCAGGCCCCTGTAGACGCGGTAATCGCCGCTAGCGT[C>T]CAGGACGCCTCCAGAGGCCAGCGCGGTGCGGAGCTGCGCCTTGACCTGGTCCACGGACCG-3'
Protein context (NP_006867.1, residues 64-84): RTALASGGVL[Asp74Asn]ASGDYRVYRG